The following is an entry in ClinVar:

ClinVar aggregate classification (germline): Conflicting classifications of pathogenicity. Review status: criteria provided, conflicting classifications (1 of 4 stars). 2 submissions from 2 submitters: Uncertain significance (1); Likely benign (1). Last evaluated 2025-09-10.

Allele frequency attached by ClinVar (database versions not stated): gnomAD exomes 0.00007; gnomAD 0.00009; TOPMed 0.00011; ExAC 0.00013; 1000 Genomes Project 30x 0.00016; 1000 Genomes Project 0.00020.
gnomAD v4.1: 120 of 1,605,516 alleles (0.0075%); highest among the groups gnomAD compares: South Asian, 0.045%; no homozygotes.

Submissions (2):

Ambry Genetics
Classification: Uncertain significance. Last evaluated: 2025-09-10. Review status: criteria provided, single submitter. Criteria: Ambry Variant Classification Scheme 2023. Collection method: clinical testing. Allele origin: germline.

GeneDx
Classification: Likely benign. Last evaluated: 2018-08-02. Review status: criteria provided, single submitter. Criteria: GeneDx Variant Classification Process June 2021. Collection method: clinical testing. Allele origin: germline. Affected: yes.
Comment: See Variant Classification Assertion Criteria.

NM_012335.4(MYO1F):c.1945G>A (p.Glu649Lys)

Gene: MYO1F (myosin IF; minus strand). Cytogenetic location: 19p13.2.
Variant type: single nucleotide variant.
Coding change: c.1945G>A on transcript NM_012335.4 (MANE Select); coding-DNA position 1945, G replaced by A.
Protein change: p.Glu649Lys; replaces glutamic acid 649 with lysine.
Molecular consequence: missense variant.
Genome position (GRCh38, 1-based): chr19:8,536,350, C>T on the plus strand (G>A on the coding strand, the complement: MYO1F is on the minus strand). VCF-style: chr19-8536350-C-T. GRCh37 (hg19) VCF-style: chr19-8601234-C-T.
Other names: c.1933G>A, p.Glu645Lys (NM_001348355.2); short protein forms E649K, E645K.
Identifiers: ClinVar variation 2568880 (VCV002568880.4), dbSNP rs201646155, ClinGen allele CA9159052.